The following is an entry in ClinVar:

ClinVar aggregate classification (germline): Likely pathogenic (1 of 4 stars; one submission).

Conditions:
Autosomal recessive polycystic kidney disease (ARPKD). Also called: AR polycystic kidney disease. Identifiers: Orphanet 731, Orphanet 8378, MedGen C0085548, MeSH D017044, MONDO:0009889.

Submission:

Natera, Inc.
Classification: Likely pathogenic for Autosomal recessive polycystic kidney disease. Last evaluated: 2024-12-04. Review status: criteria provided, single submitter. Criteria: Natera Variant Classification Schema (03/2026). Collection method: clinical testing. Allele origin: germline.
Comment: The c.1766_1768delinsT variant in PKHD1 is a frameshift variant predicted to shift the reading frame beginning at codon 589 and leads to a stop codon 56 codons downstream. This variant is expected to result in nonsense mediated decay, truncation, or a dysfunctional protein product. This variant is rare in the general population with a frequency below the threshold expected for the associated phenotype(s). Given the available evidence, this variant is classified as Likely Pathogenic.

NM_138694.4(PKHD1):c.1766_1768delinsT (p.Arg589fs)

Gene: PKHD1 (PKHD1 ciliary IPT domain containing fibrocystin/polyductin; minus strand). Cytogenetic location: 6p12.2.
Variant type: Indel.
Coding change: c.1766_1768delinsT on transcript NM_138694.4 (MANE Select); coding-DNA positions 1766 to 1768, GTC replaced by T.
Protein change: p.Arg589fs; shifts the reading frame from arginine 589.
Molecular consequence: frameshift variant.
Genome position (GRCh38, 1-based): chr6:52,055,655-52,055,657, GAC replaced by A on the plus strand (GTC replaced by T on the coding strand, the reverse complement: PKHD1 is on the minus strand). VCF-style: chr6-52055655-GAC-A. GRCh37 (hg19) VCF-style: chr6-51920453-GAC-A.
Other names: c.1766_1768delinsT, p.Arg589fs (NM_170724.3); short protein forms R589fs.
Identifiers: ClinVar variation 4816589 (VCV004816589.1).